The following is an entry in ClinVar:

ClinVar aggregate classification (germline): Uncertain significance (1 of 4 stars; one submission).

Conditions:
LAMA2-related muscular dystrophy (LAMA2-RD). Also called: Laminin alpha 2-related dystrophy. Identifiers: MedGen C5679788, MONDO:0100228.

Allele frequency attached by ClinVar (database versions not stated): gnomAD exomes below 0.00001 and 0.00001; gnomAD 0.00001 and 0.00002; TOPMed 0.00001; ExAC 0.00002; 1000 Genomes Project 30x 0.00016; 1000 Genomes Project 0.00020.
gnomAD v4.1: 4 of 1,614,112 alleles (0.00025%); highest among the groups gnomAD compares: African/African-American, 0.0053%; no homozygotes.

Submission:

Labcorp Genetics (formerly Invitae), Labcorp
Classification: Uncertain significance for LAMA2-related muscular dystrophy. Last evaluated: 2021-09-24. Review status: criteria provided, single submitter. Criteria: Invitae Variant Classification Sherloc (09022015). Collection method: clinical testing. Allele origin: germline.
Comment: This sequence change affects codon 94 of the LAMA2 mRNA. It is a 'silent' change, meaning that it does not change the encoded amino acid sequence of the LAMA2 protein. This variant is present in population databases (rs559745161, ExAC 0.02%). This variant has not been reported in the literature in individuals with LAMA2-related conditions. Algorithms developed to predict the effect of sequence changes on RNA splicing suggest that this variant is not likely to affect RNA splicing, but this prediction has not been confirmed by published transcriptional studies. In summary, the available evidence is currently insufficient to determine the role of this variant in disease. Therefore, it has been classified as a Variant of Uncertain Significance.

NM_000426.4(LAMA2):c.282C>T (p.Asn94=)

Gene: LAMA2 (laminin subunit alpha 2; plus strand). Cytogenetic location: 6q22.33.
Variant type: single nucleotide variant.
Coding change: c.282C>T on transcript NM_000426.4 (MANE Select); coding-DNA position 282, C replaced by T.
Protein change: p.Asn94=; no amino-acid change (asparagine 94 retained).
Molecular consequence: synonymous variant.
Genome position (GRCh38, 1-based): chr6:129,050,087, C>T. VCF-style: chr6-129050087-C-T. GRCh37 (hg19) VCF-style: chr6-129371232-C-T.
Other names: c.282C>T, p.Asn94= (NM_001079823.2).
Identifiers: ClinVar variation 1368760 (VCV001368760.5), dbSNP rs559745161, ClinGen allele CA3992262.